The following is an entry in ClinVar:

ClinVar aggregate classification (germline): Likely benign. Review status: criteria provided, multiple submitters, no conflicts (2 of 4 stars). 2 submissions from 2 submitters: Likely benign (2). Last evaluated 2024-11-25.

Conditions:
Adams-Oliver syndrome 5 (AOS5). Identifiers: Orphanet 974, MedGen C4014970, MONDO:0014459, OMIM 616028.

Allele frequency attached by ClinVar (database versions not stated): ExAC 0.00001; gnomAD exomes 0.00001; TOPMed 0.00001; ESP Exome Variant Server 0.00008.
gnomAD v4.1: 20 of 1,609,346 alleles (0.0012%); highest among the groups gnomAD compares: Non-Finnish European, 0.0015%; no homozygotes.

Submissions (2):

Labcorp Genetics (formerly Invitae), Labcorp
Classification: Likely benign for Adams-Oliver syndrome 5. Last evaluated: 2024-11-25. Review status: criteria provided, single submitter. Criteria: Invitae Variant Classification Sherloc (09022015). Collection method: clinical testing. Allele origin: germline.

GeneDx
Classification: Likely benign. Last evaluated: 2021-06-01. Review status: criteria provided, single submitter. Criteria: GeneDx Variant Classification Process June 2021. Collection method: clinical testing. Allele origin: germline. Affected: yes.
Comment: This variant is associated with the following publications: (PMID: 27535533)

NM_017617.5(NOTCH1):c.2679C>T (p.Cys893=)

Gene: NOTCH1 (notch receptor 1; minus strand). Cytogenetic location: 9q34.3.
Variant type: single nucleotide variant.
Coding change: c.2679C>T on transcript NM_017617.5 (MANE Select); coding-DNA position 2679, C replaced by T.
Protein change: p.Cys893=; no amino-acid change (cysteine 893 retained).
Molecular consequence: synonymous variant.
Genome position (GRCh38, 1-based): chr9:136,510,714, G>A on the plus strand (C>T on the coding strand, the complement: NOTCH1 is on the minus strand). VCF-style: chr9-136510714-G-A. GRCh37 (hg19) VCF-style: chr9-139405166-G-A.
Identifiers: ClinVar variation 1327288 (VCV001327288.5), dbSNP rs373306460, ClinGen allele CA5341201.
Genomic context (GRCh38, chr9:136,510,714, plus strand): 5'-GGGCCGGCAGTCGTCGATGTCGGTCTCGCAGTTGCGCCCACTGTAGCCGGCCTGGCAGTG[G>A]CAGCGGTAGCCGCCGTGGGTGTTCTGGCAGGATGCGCCGTGCCGGCACGGGCTCAGAACG-3'
Protein context (NP_060087.3, residues 883-903): SCQNTHGGYR[Cys893=]HCQAGYSGRN